The following is an entry in ClinVar:

ClinVar aggregate classification (germline): Conflicting classifications of pathogenicity. Review status: criteria provided, conflicting classifications (1 of 4 stars). 2 submissions from 2 submitters: Uncertain significance (1); Likely benign (1). Last evaluated 2025-02-16.

Conditions:
Leigh syndrome (NULS). Also called: Leigh's necrotizing encephalopathy; Leigh's disease; Leigh Syndrome (mtDNA deletion); Leigh Disease; Subacute necrotizing encephalopathy; Necrotizing encephalopathy infantile subacute of Leigh. Identifiers: Orphanet 506, MedGen C2931891, MONDO:0009723, OMIM 256000.

Submissions (2):

Laboratory of Genetics, Children's Clinical University Hospital Latvia
Classification: Likely benign. Last evaluated: 2025-02-16. Review status: criteria provided, single submitter. Criteria: ACMG Guidelines, 2015. Collection method: clinical testing. Allele origin: germline. Affected: yes.

Wong Mito Lab, Molecular and Human Genetics, Baylor College of Medicine
Classification: Uncertain significance for Leigh syndrome. Last evaluated: 2019-10-17. Review status: criteria provided, single submitter. Criteria: Modified ACMG Guidelines (Unpublished). Collection method: clinical testing. Allele origin: germline.
Comment: The NC_012920.1:m.8609C>T (YP_003024031.1:p.Pro28Leu) variant in MTATP6 gene is interpretated to be a Uncertain Significance variant based on the modified ACMG guidelines (unpublished). This variant meets the following evidence codes: PP4

NC_012920.1(MT-ATP6):m.8609C>T

Gene: MT-ATP6 (mitochondrially encoded ATP synthase 6; plus strand).
Variant type: single nucleotide variant.
Genome position: chrM-8609-C-T.
Identifiers: ClinVar variation 692923 (VCV000692923.2), dbSNP rs1603221634, ClinGen allele CA414796911.